The following is an entry in ClinVar:

NM_000059.4(BRCA2):c.1207C>G (p.Leu403Val)

Gene: BRCA2 (BRCA2 DNA repair associated; plus strand). Cytogenetic location: 13q13.1.
Variant type: single nucleotide variant.
Coding change: c.1207C>G on transcript NM_000059.4 (MANE Select); coding-DNA position 1207, C replaced by G.
Protein change: p.Leu403Val; replaces leucine 403 with valine.
Molecular consequence: missense variant. On other transcripts: non-coding transcript variant (1), intron variant (1).
Genome position (GRCh38, 1-based): chr13:32,332,685, C>G. VCF-style: chr13-32332685-C-G. GRCh37 (hg19) VCF-style: chr13-32906822-C-G.
Other names: c.1207C>G, p.Leu403Val (NM_001406719.1, NM_001406720.1, NM_001406721.1 and 1 more transcripts); c.424+1655C>G (NM_001406722.1); short protein forms L403V.
Identifiers: ClinVar variation 4753998 (VCV004753998.1).

ClinVar aggregate classification (germline): Uncertain significance (1 of 4 stars; one submission).

Conditions:
Hereditary breast ovarian cancer syndrome. Also called: Hereditary breast and ovarian cancer syndrome; Hereditary breast and ovarian cancer; Breast and ovarian cancer; Hereditary breast and/or ovarian cancer syndrome; Hereditary breast and ovarian cancer syndrome (HBOC); BRCA1- and BRCA2-Associated Hereditary Breast and Ovarian Cancer. Identifiers: Orphanet 145, MedGen C0677776, MeSH D061325, MONDO:0003582. Disease mechanism: loss of function.

Submission:

Labcorp Genetics (formerly Invitae), Labcorp
Classification: Uncertain significance for Hereditary breast ovarian cancer syndrome. Last evaluated: 2025-05-07. Review status: criteria provided, single submitter. Criteria: Invitae Variant Classification Sherloc (09022015). Collection method: clinical testing. Allele origin: germline.
Comment: This sequence change replaces leucine, which is neutral and non-polar, with valine, which is neutral and non-polar, at codon 403 of the BRCA2 protein (p.Leu403Val). This variant is not present in population databases (gnomAD no frequency). This variant has not been reported in the literature in individuals affected with BRCA2-related conditions. Invitae Evidence Modeling of protein sequence and biophysical properties (such as structural, functional, and spatial information, amino acid conservation, physicochemical variation, residue mobility, and thermodynamic stability) indicates that this missense variant is not expected to disrupt BRCA2 protein function with a negative predictive value of 95%. In summary, the available evidence is currently insufficient to determine the role of this variant in disease. Therefore, it has been classified as a Variant of Uncertain Significance.